The following is an entry in ClinVar:

NM_022047.4(DEF6):c.1715C>T (p.Pro572Leu)

Gene: DEF6 (DEF6 guanine nucleotide exchange factor; plus strand). Cytogenetic location: 6p21.31.
Variant type: single nucleotide variant.
Coding change: c.1715C>T on transcript NM_022047.4 (MANE Select); coding-DNA position 1715, C replaced by T.
Protein change: p.Pro572Leu; replaces proline 572 with leucine.
Molecular consequence: missense variant.
Genome position (GRCh38, 1-based): chr6:35,321,229, C>T. VCF-style: chr6-35321229-C-T. GRCh37 (hg19) VCF-style: chr6-35289006-C-T.
Other names: short protein forms P572L.
Identifiers: ClinVar variation 1020425 (VCV001020425.6), dbSNP rs766994403, ClinGen allele CA3770996.

ClinVar aggregate classification (germline): Uncertain significance (1 of 4 stars; one submission).

Allele frequency attached by ClinVar (database versions not stated): gnomAD 0.00002; TOPMed 0.00002.
gnomAD v4.1: 46 of 1,613,080 alleles (0.0029%); highest among the groups gnomAD compares: Non-Finnish European, 0.0034%; no homozygotes.

Submission:

Labcorp Genetics (formerly Invitae), Labcorp
Classification: Uncertain significance. Last evaluated: 2021-08-26. Review status: criteria provided, single submitter. Criteria: Invitae Variant Classification Sherloc (09022015). Collection method: clinical testing. Allele origin: germline.
Comment: This sequence change replaces proline with leucine at codon 572 of the DEF6 protein (p.Pro572Leu). The proline residue is weakly conserved and there is a moderate physicochemical difference between proline and leucine. This variant is present in population databases (rs766994403, ExAC 0.003%). This variant has not been reported in the literature in individuals affected with DEF6-related conditions. Algorithms developed to predict the effect of missense changes on protein structure and function (SIFT, PolyPhen-2, Align-GVGD) all suggest that this variant is likely to be tolerated. In summary, the available evidence is currently insufficient to determine the role of this variant in disease. Therefore, it has been classified as a Variant of Uncertain Significance.